The following is an entry in ClinVar:

NM_006941.4(SOX10):c.822C>T (p.Gly274=)

Genes: POLR2F (RNA polymerase II, I and III subunit F; plus strand), SOX10 (SRY-box transcription factor 10; minus strand). Cytogenetic location: 22q13.1.
Variant type: single nucleotide variant.
Coding change: c.822C>T on transcript NM_006941.4 (MANE Select); coding-DNA position 822, C replaced by T.
Protein change: p.Gly274=; no amino-acid change (glycine 274 retained).
Molecular consequence: synonymous variant. On other transcripts: intron variant (3).
Genome position (GRCh38, 1-based): chr22:37,974,074, G>A on the plus strand (C>T on the coding strand, the complement: SOX10 is on the minus strand). VCF-style: chr22-37974074-G-A. GRCh37 (hg19) VCF-style: chr22-38370081-G-A.
Other names: p.Gly274=; c.293+6904G>A (NM_001301131.2, NM_001301130.2); c.*38+1764G>A (NM_001363825.1).
Identifiers: ClinVar variation 227960 (VCV000227960.54), dbSNP rs147334218, ClinGen allele CA10228578.
Genomic context (GRCh38, chr22:37,974,074, plus strand): 5'-CACATCAAAGGTCTCCATGTTGGACATTACCTCGTGGCTGATCTCACCAATGTCCACGTT[G>A]CCGAAGTCGATGTGAGGCTTCCCGCCCTCCCCCATGGAGCGCCCGTCCCGCTTCGGGTCT-3'
Protein context (NP_008872.1, residues 264-284): GEGGKPHIDF[Gly274=]NVDIGEISHE

ClinVar aggregate classification (germline): Benign/Likely benign. Review status: criteria provided, multiple submitters, no conflicts (2 of 4 stars). 12 submissions from 11 submitters: Benign (5); Likely benign (4). 3 of the submissions do not count toward it. Last evaluated 2026-09-01.

Conditions:
SOX10-related disorder. Also called: SOX10-related condition.
Waardenburg syndrome. Also called: Waardenburg's syndrome. Identifiers: Orphanet 3440, MedGen C3266898, MONDO:0018094.
PCWH syndrome. Also called: WAARDENBURG-SHAH SYNDROME, NEUROLOGIC VARIANT. Identifiers: Orphanet 163746, MedGen C1836727, MONDO:0012198, OMIM 609136.

Allele frequency attached by ClinVar (database versions not stated): ExAC 0.00103; gnomAD exomes 0.00112 and 0.00156; gnomAD 0.00149 and 0.00153; TOPMed 0.00132; 1000 Genomes Project 30x 0.00094; ESP Exome Variant Server 0.00062; 1000 Genomes Project 0.00100.
gnomAD v4.1: 2,504 of 1,614,022 alleles (0.16%); highest among the groups gnomAD compares: Admixed American, 0.22%; 3 homozygotes.

Submissions (12):

CeGaT Center for Human Genetics Tuebingen
Classification: Likely benign. Last evaluated: 2026-09-01. Review status: criteria provided, single submitter. Criteria: CeGaT Center For Human Genetics Tuebingen Variant Classification Criteria Version 2. Collection method: clinical testing. Allele origin: germline. Affected: yes. Observed: 22 variant alleles.
Comment: SOX10: BP4, BP7, BS1

Labcorp Genetics (formerly Invitae), Labcorp
Classification: Benign. Last evaluated: 2026-02-01. Review status: criteria provided, single submitter. Criteria: Invitae Variant Classification Sherloc (09022015). Collection method: clinical testing. Allele origin: germline.

Blueprint Genetics
Classification: Likely benign. Last evaluated: 2024-11-28. Review status: criteria provided, single submitter. Criteria: ACMG Guidelines, 2015. Collection method: clinical testing. Allele origin: germline.

Mayo Clinic Laboratories, Mayo Clinic
Classification: Benign. Last evaluated: 2019-08-01. Review status: criteria provided, single submitter. Criteria: ACMG Guidelines, 2015. Collection method: clinical testing. Allele origin: germline. Observed: 8 variant alleles.

GeneDx
Classification: Benign. Last evaluated: 2018-06-25. Review status: criteria provided, single submitter. Criteria: GeneDx Variant Classification Process June 2021. Collection method: clinical testing. Allele origin: germline. Affected: yes.
Comment: This variant is associated with the following publications: (PMID: 20444197, 20130826, 11499640)

Illumina Laboratory Services, Illumina
Classification: Benign for Waardenburg syndrome. Last evaluated: 2018-01-13. Review status: criteria provided, single submitter. Criteria: ICSL Variant Classification Criteria 13 December 2019. Collection method: clinical testing. Allele origin: germline.
Comment: This variant was observed in the ICSL laboratory as part of a predisposition screen in an ostensibly healthy population. It had not been previously curated by ICSL or reported in the Human Gene Mutation Database (HGMD: prior to June 1st, 2018), and was therefore a candidate for classification through an automated scoring system. Utilizing variant allele frequency, disease prevalence and penetrance estimates, and inheritance mode, an automated score was calculated to assess if this variant is too frequent to cause the disease. Based on the score and internal cut-off values, a variant classified as benign is not then subjected to further curation. The score for this variant resulted in a classification of benign for this disease.

Illumina Laboratory Services, Illumina
Classification: Benign for PCWH syndrome. Last evaluated: 2018-01-13. Review status: criteria provided, single submitter. Criteria: ICSL Variant Classification Criteria 13 December 2019. Collection method: clinical testing. Allele origin: germline.
Comment: the same text as in the submission from Illumina Laboratory Services, Illumina above.

Laboratory for Molecular Medicine, Mass General Brigham Personalized Medicine
Classification: Likely benign. Last evaluated: 2017-10-26. Review status: criteria provided, single submitter. Criteria: LMM Criteria. Collection method: clinical testing. Allele origin: germline. Observed: 3 variant alleles.
Comment: p.Gly274Gly in exon 4 of SOX10: This variant is not expected to have clinical si gnificance because it does not alter an amino acid residue and is not located wi thin the splice consensus sequence. It has been identified in 0.17% (211/124588) of European chromosomes and 0.21% (73/34420) of Latino chromosomes by the Genom e Aggregation Database (gnomAD; dbSNP rs147334 218). ACMG/AMP Criteria applied: BP4, BP7, BS1_P (Richards 2015).

Eurofins Ntd Llc (ga)
Classification: Likely benign. Last evaluated: 2017-05-01. Review status: criteria provided, single submitter. Criteria: EGL Classification Definitions 2015. Collection method: clinical testing. Allele origin: germline. Observed: 1 variant allele, 1 heterozygote.

PreventionGenetics, part of Exact Sciences
Classification: Likely benign for SOX10-related condition. Last evaluated: 2020-01-29. Review status: no assertion criteria provided. Collection method: clinical testing. Allele origin: germline. Not counted in ClinVar's aggregate classification.
Comment: This variant is classified as likely benign based on ACMG/AMP sequence variant interpretation guidelines (Richards et al. 2015 PMID: 25741868, with internal and published modifications).

Clinical Genetics DNA and cytogenetics Diagnostics Lab, Erasmus MC, Erasmus Medical Center
Classification: Likely benign. Review status: no assertion criteria provided. Collection method: clinical testing. Allele origin: germline. Affected: yes. Study: VKGL Data-share Consensus. Not counted in ClinVar's aggregate classification.

Clinical Genetics, Academic Medical Center
Classification: Likely benign. Review status: no assertion criteria provided. Collection method: clinical testing. Allele origin: germline. Affected: yes. Study: VKGL Data-share Consensus. Not counted in ClinVar's aggregate classification.